The following is an entry in ClinVar:

NM_000295.5(SERPINA1):c.774G>A (p.Lys258=)

Gene: SERPINA1 (serpin family A member 1; minus strand). Cytogenetic location: 14q32.13.
Variant type: single nucleotide variant.
Coding change: c.774G>A on transcript NM_000295.5 (MANE Select); coding-DNA position 774, G replaced by A.
Protein change: p.Lys258=; no amino-acid change (lysine 258 retained).
Molecular consequence: synonymous variant.
Genome position (GRCh38, 1-based): chr14:94,381,014, C>T on the plus strand (G>A on the coding strand, the complement: SERPINA1 is on the minus strand). VCF-style: chr14-94381014-C-T. GRCh37 (hg19) VCF-style: chr14-94847351-C-T.
Other names: p.Lys258=; c.774G>A, p.Lys258= (NM_001002235.3, NM_001002236.3, NM_001127700.2 and 7 more transcripts).
Identifiers: ClinVar variation 165186 (VCV000165186.22), dbSNP rs34112109, ClinGen allele CA177905.

ClinVar aggregate classification (germline): Benign/Likely benign. Review status: criteria provided, multiple submitters, no conflicts (2 of 4 stars). 6 submissions from 6 submitters: Benign (4); Likely benign (2). Last evaluated 2026-01-28.

Conditions:
Alpha-1-antitrypsin deficiency (A1ATD). Also called: Alpha1-Antitrypsin Deficiency; AAT deficiency; A1AT deficiency. Identifiers: Orphanet 60, MedGen C0221757, MONDO:0013282, OMIM 613490.

Allele frequency attached by ClinVar (database versions not stated): gnomAD exomes 0.00136 and 0.00365; ExAC 0.00451; gnomAD 0.01422 and 0.01536; 1000 Genomes Project 0.01458; TOPMed 0.01555; 1000 Genomes Project 30x 0.01608; ESP Exome Variant Server 0.01668.
gnomAD v4.1: 4,226 of 1,614,130 alleles (0.26%); highest among the groups gnomAD compares: African/African-American, 5%; 115 homozygotes.

Submissions (6):

Labcorp Genetics (formerly Invitae), Labcorp
Classification: Benign for Alpha-1-antitrypsin deficiency. Last evaluated: 2026-01-28. Review status: criteria provided, single submitter. Criteria: Invitae Variant Classification Sherloc (09022015). Collection method: clinical testing. Allele origin: germline.

Mayo Clinic Laboratories, Mayo Clinic
Classification: Benign. Last evaluated: 2021-10-20. Review status: criteria provided, single submitter. Criteria: ACMG Guidelines, 2015. Collection method: clinical testing. Allele origin: germline. Observed: 8 variant alleles.
Comment: BA1, BP4, BP7

Illumina Laboratory Services, Illumina
Classification: Likely benign for Alpha-1-antitrypsin deficiency. Last evaluated: 2018-01-13. Review status: criteria provided, single submitter. Criteria: ICSL Variant Classification Criteria 13 December 2019. Collection method: clinical testing. Allele origin: germline.
Comment: This variant was observed in the ICSL laboratory as part of a predisposition screen in an ostensibly healthy population. It had not been previously curated by ICSL or reported in the Human Gene Mutation Database (HGMD: prior to June 1st, 2018), and was therefore a candidate for classification through an automated scoring system. Utilizing variant allele frequency, disease prevalence and penetrance estimates, and inheritance mode, an automated score was calculated to assess if this variant is too frequent to cause the disease. Based on the score and internal cut-off values, a variant classified as likely benign is not then subjected to further curation. The score for this variant resulted in a classification of likely benign for this disease.

Laboratory for Molecular Medicine, Mass General Brigham Personalized Medicine
Classification: Benign. Last evaluated: 2013-02-21. Review status: criteria provided, single submitter. Criteria: LMM Criteria. Collection method: clinical testing. Allele origin: germline. Observed: 2 variant alleles.
Comment: Lys258Lys in exon 5 of SERPINA1: This variant is not expected to have clinical s ignificance because it does not alter an amino acid residue and is not located w ithin the splice consensus sequence. It has been identified in 4.9% (217/4406) o f African American chromosomes from a broad population by the NHLBI Exome Sequen cing Project (dbSNP rs34112109).

Breakthrough Genomics
Classification: Likely benign. Review status: criteria provided, single submitter. Criteria: ACMG Guidelines, 2015. Collection method: not provided. Allele origin: germline. Inheritance: Autosomal recessive inheritance. Affected: yes.

PreventionGenetics, part of Exact Sciences
Classification: Benign. Review status: criteria provided, single submitter. Criteria: ACMG Guidelines, 2015. Collection method: clinical testing. Allele origin: germline.